The following is an entry in ClinVar:

NM_017534.6(MYH2):c.348C>T (p.Tyr116=)

Genes: MYH2 (myosin heavy chain 2; minus strand), MYHAS (myosin heavy chain gene cluster antisense RNA; plus strand). Cytogenetic location: 17p13.1.
Variant type: single nucleotide variant.
Coding change: c.348C>T on transcript NM_017534.6 (MANE Select); coding-DNA position 348, C replaced by T.
Protein change: p.Tyr116=; no amino-acid change (tyrosine 116 retained).
Molecular consequence: synonymous variant.
Genome position (GRCh38, 1-based): chr17:10,547,475, G>A on the plus strand (C>T on the coding strand, the complement: MYH2 is on the minus strand). VCF-style: chr17-10547475-G-A. GRCh37 (hg19) VCF-style: chr17-10450792-G-A.
Other names: c.348C>T, p.Tyr116= (NM_001100112.2).
Identifiers: ClinVar variation 1495716 (VCV001495716.6), dbSNP rs570034593, ClinGen allele CA8391675.
Genomic context (GRCh38, chr17:10,547,475, plus strand): 5'-GAAGCAGGATGGTAGGGTACATGAGGATGATTATACAGAGCACTGGCAGGGGACACTCAC[G>A]TAGATCATCCAGGCTGCATAACGTTCTTTGAGGTTGTACAGCACAGCAGGCTCATGCAGA-3'
Protein context (NP_060004.3, residues 106-126): LKERYAAWMI[Tyr116=]TYSGLFCVTV

ClinVar aggregate classification (germline): Uncertain significance (1 of 4 stars; one submission).

Conditions:
Myopathy, proximal, and ophthalmoplegia (CMYO6). Also called: MYOPATHY WITH CONGENITAL JOINT CONTRACTURES, OPHTHALMOPLEGIA, AND RIMMED VACUOLES; CONGENITAL MYOPATHY 6 WITH OPHTHALMOPLEGIA; INCLUSION BODY MYOPATHY 3, AUTOSOMAL DOMINANT. Identifiers: Orphanet 363677, Orphanet 79091, MedGen C1854106, MONDO:0011577, OMIM 605637.

Allele frequency attached by ClinVar (database versions not stated): gnomAD 0.00001 and 0.00002; ExAC 0.00003; gnomAD exomes 0.00004; TOPMed 0.00005; 1000 Genomes Project 30x 0.00016; 1000 Genomes Project 0.00020.
gnomAD v4.1: 31 of 1,614,104 alleles (0.0019%); highest among the groups gnomAD compares: South Asian, 0.012%; no homozygotes.

Submission:

Labcorp Genetics (formerly Invitae), Labcorp
Classification: Uncertain significance for Myopathy, proximal, and ophthalmoplegia. Last evaluated: 2025-06-22. Review status: criteria provided, single submitter. Criteria: Invitae Variant Classification Sherloc (09022015). Collection method: clinical testing. Allele origin: germline.
Comment: This sequence change affects codon 116 of the MYH2 mRNA. It is a 'silent' change, meaning that it does not change the encoded amino acid sequence of the MYH2 protein. It affects a nucleotide within the consensus splice site. This variant is present in population databases (rs570034593, gnomAD 0.02%). This variant has not been reported in the literature in individuals affected with MYH2-related conditions. ClinVar contains an entry for this variant (Variation ID: 1495716). Algorithms developed to predict the effect of sequence changes on RNA splicing suggest that this variant is not likely to affect RNA splicing. In summary, the available evidence is currently insufficient to determine the role of this variant in disease. Therefore, it has been classified as a Variant of Uncertain Significance.